The following is an entry in ClinVar:

ClinVar aggregate classification (germline): Uncertain significance (1 of 4 stars; one submission).

Conditions:
Hereditary cancer-predisposing syndrome. Also called: Hereditary Cancer Syndrome; Hereditary neoplastic syndrome; Neoplastic Syndromes, Hereditary; Tumor predisposition. Identifiers: Orphanet 140162, MedGen C0027672, MeSH D009386, MONDO:0015356.

Submission:

Ambry Genetics
Classification: Uncertain significance for Hereditary cancer-predisposing syndrome. Last evaluated: 2021-08-04. Review status: criteria provided, single submitter. Criteria: Ambry Variant Classification Scheme 2023. Collection method: clinical testing. Allele origin: germline.
Comment: The p.S33Y variant (also known as c.98C>A), located in coding exon 1 of the MET gene, results from a C to A substitution at nucleotide position 98. The serine at codon 33 is replaced by tyrosine, an amino acid with dissimilar properties. This amino acid position is well conserved in available vertebrate species. In addition, the in silico prediction for this alteration is inconclusive. Since supporting evidence is limited at this time, the clinical significance of this alteration remains unclear.

NM_000245.4(MET):c.98C>A (p.Ser33Tyr)

Gene: MET (MET proto-oncogene, receptor tyrosine kinase; plus strand). Cytogenetic location: 7q31.2.
Variant type: single nucleotide variant.
Coding change: c.98C>A on transcript NM_000245.4 (MANE Select); coding-DNA position 98, C replaced by A.
Protein change: p.Ser33Tyr; replaces serine 33 with tyrosine.
Molecular consequence: missense variant. On other transcripts: intron variant (1).
Genome position (GRCh38, 1-based): chr7:116,699,182, C>A. VCF-style: chr7-116699182-C-A. GRCh37 (hg19) VCF-style: chr7-116339236-C-A.
Other names: c.98C>A, p.Ser33Tyr (NM_001127500.3, NM_001324401.3); c.-91+26605C>A (NM_001324402.2); short protein forms S33Y.
Identifiers: ClinVar variation 1768540 (VCV001768540.2), dbSNP rs2485505223, ClinGen allele CA368968335.
Genomic context (GRCh38, chr7:116,699,182, plus strand): 5'-TGCTCCTGTTTACCTTGGTGCAGAGGAGCAATGGGGAGTGTAAAGAGGCACTAGCAAAGT[C>A]CGAGATGAATGTGAATATGAAGTATCAGCTTCCCAACTTCACCGCGGAAACACCCATCCA-3'
Protein context (NP_000236.2, residues 23-43): NGECKEALAK[Ser33Tyr]EMNVNMKYQL